The following is an entry in ClinVar:

ClinVar aggregate classification (germline): Uncertain significance (1 of 4 stars; one submission).

Allele frequency attached by ClinVar (database versions not stated): ExAC 0.00011; gnomAD exomes 0.00009; gnomAD 0.00007.
gnomAD v4.1: 126 of 1,482,408 alleles (0.0085%); highest among the groups gnomAD compares: Non-Finnish European, 0.011%; 28 homozygotes.

Submission:

Ambry Genetics
Classification: Uncertain significance. Last evaluated: 2025-11-07. Review status: criteria provided, single submitter. Criteria: Ambry Variant Classification Scheme 2023. Collection method: clinical testing. Allele origin: germline.
Comment: The c.169A>G (p.M57V) alteration is located in exon 1 (coding exon 1) of the OR4C11 gene. This alteration results from a A to G substitution at nucleotide position 169, causing the methionine (M) at amino acid position 57 to be replaced by a valine (V). Based on data from gnomAD, the G allele has an overall frequency of 0.011% (25/226108) total alleles studied. The highest observed frequency was 0.024% (25/104444) of European (non-Finnish) alleles. Based on insufficient or conflicting evidence, the clinical significance of this alteration remains unclear.

NM_001004700.3(OR4C11):c.169A>G (p.Met57Val)

Gene: OR4C11 (olfactory receptor family 4 subfamily C member 11; minus strand). Cytogenetic location: 11q11.
Variant type: single nucleotide variant.
Coding change: c.169A>G on transcript NM_001004700.3 (MANE Select); coding-DNA position 169, A replaced by G.
Protein change: p.Met57Val; replaces methionine 57 with valine.
Molecular consequence: missense variant.
Genome position (GRCh38, 1-based): chr11:55,604,205, T>C on the plus strand (A>G on the coding strand, the complement: OR4C11 is on the minus strand). VCF-style: chr11-55604205-T-C. GRCh37 (hg19) VCF-style: chr11-55371681-T-C.
Other names: short protein forms M57V.
Identifiers: ClinVar variation 2517304 (VCV002517304.3), dbSNP rs201608278, ClinGen allele CA5991423.